The following is an entry in ClinVar:

ClinVar aggregate classification (germline): Uncertain significance (1 of 4 stars; one submission).

Submission:

Women's Health and Genetics/Laboratory Corporation of America, LabCorp
Classification: Uncertain significance. Last evaluated: 2024-07-30. Review status: criteria provided, single submitter. Criteria: LabCorp Variant Classification Summary - May 2015. Collection method: clinical testing. Allele origin: germline.
Comment: Variant summary: The variant involves the duplication of exon 1 in the HCN4 gene. A presumed nomenclature of c.(?_-689)_(785+1_786-1)dup has been designated for the purposes of this classification. The exact breakpoint at the 5' end of this variant is unknown, therefore this duplication may extend upstream of the annotated region of this gene. It is predicted to duplicate a segment including the initiation codon, therefore its impact on the encoded protein is unknown. The variant was absent in 21246 control chromosomes (gnomAD Structural Variants dataset). The available data on variant occurrences in the general population are insufficient to allow any conclusion about variant significance. To our knowledge, no occurrence of c.(?_-689)_(785+1_786-1)dup in individuals affected with Sick Sinus Syndrome 2 and no experimental evidence demonstrating its impact on protein function have been reported. No submitters have cited clinical-significance assessments for this variant to ClinVar. Based on the evidence outlined above, the variant was classified as uncertain significance.

NC_000015.9:g.(73636150_73659826)_(73661300_?)dup

Gene: HCN4 (hyperpolarization activated cyclic nucleotide gated potassium channel 4; minus strand). Cytogenetic location: 15q24.1.
Variant type: Duplication.
Identifiers: ClinVar variation 3339220 (VCV003339220.1).